The following is an entry in ClinVar:

NM_001355436.2(SPTB):c.4888C>T (p.Gln1630Ter)

Gene: SPTB (spectrin beta, erythrocytic; minus strand). Cytogenetic location: 14q23.3.
Variant type: single nucleotide variant.
Coding change: c.4888C>T on transcript NM_001355436.2 (MANE Select); coding-DNA position 4888, C replaced by T.
Protein change: p.Gln1630Ter; replaces glutamine 1630 with a stop codon.
Molecular consequence: nonsense.
Genome position (GRCh38, 1-based): chr14:64,774,482, G>A on the plus strand (C>T on the coding strand, the complement: SPTB is on the minus strand). VCF-style: chr14-64774482-G-A. GRCh37 (hg19) VCF-style: chr14-65241200-G-A.
Other names: c.4888C>T, p.Gln1630Ter (NM_001024858.4, NM_001355437.2); short protein forms Q1630*.
Identifiers: ClinVar variation 3637895 (VCV003637895.2).

ClinVar aggregate classification (germline): Pathogenic (1 of 4 stars; one submission).

Submission:

Labcorp Genetics (formerly Invitae), Labcorp
Classification: Pathogenic. Last evaluated: 2025-06-22. Review status: criteria provided, single submitter. Criteria: Invitae Variant Classification Sherloc (09022015). Collection method: clinical testing. Allele origin: germline.
Comment: This sequence change creates a premature translational stop signal (p.Gln1630*) in the SPTB gene. It is expected to result in an absent or disrupted protein product. Loss-of-function variants in SPTB are known to be pathogenic (PMID: 1391962, 1498324, 8844207, 26830532, 27292444). This variant is not present in population databases (gnomAD no frequency). This variant has not been reported in the literature in individuals affected with SPTB-related conditions. ClinVar contains an entry for this variant (Variation ID: 3637895). For these reasons, this variant has been classified as Pathogenic.

Literature cited by the submitters: PubMed 1391962; PubMed 1498324; PubMed 8844207; PubMed 26830532; PubMed 27292444.